The following is an entry in ClinVar:

ClinVar aggregate classification (germline): Uncertain significance (1 of 4 stars; one submission).

Submission:

GeneDx
Classification: Uncertain significance. Last evaluated: 2026-01-22. Review status: criteria provided, single submitter. Criteria: GeneDx Variant Classification Process June 2021. Collection method: clinical testing. Allele origin: germline.
Comment: Not observed at significant frequency in large population cohorts (gnomAD); In silico analysis supports that this missense variant has a deleterious effect on protein structure/function; Has not been previously published as pathogenic or benign to our knowledge

NM_001852.4(COL9A2):c.1334G>A (p.Gly445Glu)

Gene: COL9A2 (collagen type IX alpha 2 chain; minus strand). Cytogenetic location: 1p34.2.
Variant type: single nucleotide variant.
Coding change: c.1334G>A on transcript NM_001852.4 (MANE Select); coding-DNA position 1334, G replaced by A.
Protein change: p.Gly445Glu; replaces glycine 445 with glutamic acid.
Molecular consequence: missense variant.
Genome position (GRCh38, 1-based): chr1:40,303,962, C>T on the plus strand (G>A on the coding strand, the complement: COL9A2 is on the minus strand). VCF-style: chr1-40303962-C-T. GRCh37 (hg19) VCF-style: chr1-40769634-C-T.
Other names: short protein forms G445E.
Identifiers: ClinVar variation 3361030 (VCV003361030.2).